The following is an entry in ClinVar:

NM_003640.5(ELP1):c.3701-95C>G

Gene: ELP1 (elongator acetyltransferase complex subunit 1; minus strand). Cytogenetic location: 9q31.3.
Variant type: single nucleotide variant.
Coding change: c.3701-95C>G on transcript NM_003640.5 (MANE Select); 95 bases into the intron before coding-DNA position 3701, C replaced by G.
Molecular consequence: intron variant.
Genome position (GRCh38, 1-based): chr9:108,878,244, G>C on the plus strand (C>G on the coding strand, the complement: ELP1 is on the minus strand). VCF-style: chr9-108878244-G-C. GRCh37 (hg19) VCF-style: chr9-111640524-G-C.
Other names: c.3359-95C>G (NM_001318360.2); c.2654-95C>G (NM_001330749.2).
Identifiers: ClinVar variation 681949 (VCV000681949.2), dbSNP rs3818875, ClinGen allele CA15606770.

ClinVar aggregate classification (germline): Benign. Review status: criteria provided, multiple submitters, no conflicts (2 of 4 stars). 2 submissions from 2 submitters: Benign (2). Last evaluated 2018-06-19.

Allele frequency attached by ClinVar (database versions not stated): gnomAD 0.21748 and 0.21860; TOPMed 0.22010; 1000 Genomes Project 30x 0.24422; 1000 Genomes Project 0.24581.
gnomAD v4.1: 191,805 of 1,010,832 alleles (19%); highest among the groups gnomAD compares: East Asian, 32%; 19,781 homozygotes.

Submissions (2):

GeneDx
Classification: Benign. Last evaluated: 2018-06-19. Review status: criteria provided, single submitter. Criteria: GeneDx Variant Classification (06012015). Collection method: clinical testing. Allele origin: germline. Affected: yes.
Comment: This variant is considered likely benign or benign based on one or more of the following criteria: it is a conservative change, it occurs at a poorly conserved position in the protein, it is predicted to be benign by multiple in silico algorithms, and/or has population frequency not consistent with disease.

Breakthrough Genomics
Classification: Benign. Review status: criteria provided, single submitter. Criteria: ACMG Guidelines, 2015. Collection method: not provided. Allele origin: germline. Inheritance: Autosomal recessive inheritance. Affected: yes.